The following is an entry in ClinVar:

ClinVar aggregate classification (germline): Benign. Review status: criteria provided, multiple submitters, no conflicts (2 of 4 stars). 12 submissions from 12 submitters: Benign (8). 4 of the submissions do not count toward it. Last evaluated 2026-02-04.

Conditions:
Frontotemporal dementia (FTD1). Also called: Frontotemporal lobe dementia (FLDEM); MULTIPLE SYSTEM TAUOPATHY WITH PRESENILE DEMENTIA; WILHELMSEN-LYNCH DISEASE; Dementia, frontotemporal, with or without parkinsonism; FRONTOTEMPORAL DEMENTIA WITH PARKINSONISM; FRONTOTEMPORAL LOBE DEMENTIA. Identifiers: Orphanet 282, MedGen C0338451, MONDO:0017276, OMIM 600274, HP:0002145.
Parkinson disease, late-onset (PD). Also called: PARKINSON DISEASE, LATE-ONSET, SUSCEPTIBILITY TO; Hereditary late onset Parkinson disease; Susceptibility to Parkinson's Disease. Identifiers: Orphanet 411602, MedGen C3160718, MONDO:0008199, OMIM 168600.
Progressive supranuclear palsy-parkinsonism syndrome. Also called: Supranuclear palsy, progressive, 1, atypical; PARKINSON-DEMENTIA SYNDROME; Progressive supranuclear palsy atypical; Atypical PSP. Identifiers: Orphanet 240085, Orphanet 683, Orphanet 99750, MedGen C1850077, MONDO:0009839, OMIM 260540.
Supranuclear palsy, progressive, 1 (PSNP1). Also called: STEELE-RICHARDSON-OLSZEWSKI SYNDROME. Identifiers: Orphanet 240071, MedGen C4551863, MONDO:0010997, OMIM 601104.
Pick disease. Also called: LOBAR ATROPHY OF BRAIN; Pick's disease; Pick Disease of the Brain; PICK DISEASE OF BRAIN; DEMENTIA WITH LOBAR ATROPHY AND NEURONAL CYTOPLASMIC INCLUSIONS. Identifiers: Orphanet 282, MedGen C0236642, MONDO:0008243, OMIM 172700.
MAPT-Related Spectrum Disorders.

Allele frequency attached by ClinVar (database versions not stated): gnomAD 0.14323 and 0.14618; 1000 Genomes Project 0.08726; gnomAD exomes 0.14555 and 0.19392; ESP Exome Variant Server 0.16369; TOPMed 0.14966; 1000 Genomes Project 30x 0.08651; ExAC 0.19304.
gnomAD v4.1: 299,986 of 1,590,822 alleles (19%); highest among the groups gnomAD compares: Non-Finnish European, 22%; 32,387 homozygotes.

Submissions (12):

Labcorp Genetics (formerly Invitae), Labcorp
Classification: Benign for Frontotemporal dementia. Last evaluated: 2026-02-04. Review status: criteria provided, single submitter. Criteria: Invitae Variant Classification Sherloc (09022015). Collection method: clinical testing. Allele origin: germline.

Mayo Clinic Laboratories, Mayo Clinic
Classification: Benign. Last evaluated: 2022-03-24. Review status: criteria provided, single submitter. Criteria: ACMG Guidelines, 2015. Collection method: clinical testing. Allele origin: germline. Observed: 357 variant alleles.

Fulgent Genetics
Classification: Benign for Parkinson disease, late-onset; Pick disease; Progressive supranuclear palsy-parkinsonism syndrome; Frontotemporal dementia; Supranuclear palsy, progressive, 1. Last evaluated: 2021-08-02. Review status: criteria provided, single submitter. Criteria: ACMG Guidelines, 2015. Collection method: clinical testing. Allele origin: unknown.

GeneDx
Classification: Benign. Last evaluated: 2018-08-11. Review status: criteria provided, single submitter. Criteria: GeneDx Variant Classification Process June 2021. Collection method: clinical testing. Allele origin: germline. Affected: yes.

Illumina Laboratory Services, Illumina
Classification: Benign for MAPT-Related Spectrum Disorders. Last evaluated: 2018-01-12. Review status: criteria provided, single submitter. Criteria: ICSL Variant Classification Criteria 13 December 2019. Collection method: clinical testing. Allele origin: germline.
Comment: This variant was observed in the ICSL laboratory as part of a predisposition screen in an ostensibly healthy population. It had not been previously curated by ICSL or reported in the Human Gene Mutation Database (HGMD: prior to June 1st, 2018), and was therefore a candidate for classification through an automated scoring system. Utilizing variant allele frequency, disease prevalence and penetrance estimates, and inheritance mode, an automated score was calculated to assess if this variant is too frequent to cause the disease. Based on the score and internal cut-off values, a variant classified as benign is not then subjected to further curation. The score for this variant resulted in a classification of benign for this disease.

Athena Diagnostics
Classification: Benign. Last evaluated: 2011-02-25. Review status: criteria provided, single submitter. Criteria: Athena Diagnostics Criteria. Collection method: clinical testing. Allele origin: germline.

Breakthrough Genomics
Classification: Benign. Review status: criteria provided, single submitter. Criteria: ACMG Guidelines, 2015. Collection method: not provided. Allele origin: germline. Inheritance: Autosomal recessive inheritance. Affected: yes.

PreventionGenetics, part of Exact Sciences
Classification: Benign. Review status: criteria provided, single submitter. Criteria: ACMG Guidelines, 2015. Collection method: clinical testing. Allele origin: germline.

Clinical Genetics DNA and cytogenetics Diagnostics Lab, Erasmus MC, Erasmus Medical Center
Classification: Benign. Review status: no assertion criteria provided. Collection method: clinical testing. Allele origin: germline. Affected: yes. Study: VKGL Data-share Consensus. Not counted in ClinVar's aggregate classification.

Clinical Genetics, Academic Medical Center
Classification: Benign. Review status: no assertion criteria provided. Collection method: clinical testing. Allele origin: germline. Affected: yes. Study: VKGL Data-share Consensus. Not counted in ClinVar's aggregate classification.

Genome Diagnostics Laboratory, Amsterdam University Medical Center
Classification: Benign. Review status: no assertion criteria provided. Collection method: clinical testing. Allele origin: germline. Affected: yes. Study: VKGL Data-share Consensus. Not counted in ClinVar's aggregate classification.

Joint Genome Diagnostic Labs from Nijmegen and Maastricht, Radboudumc and MUMC+
Classification: Benign. Review status: no assertion criteria provided. Collection method: clinical testing. Allele origin: germline. Affected: yes. Study: VKGL Data-share Consensus. Not counted in ClinVar's aggregate classification.

NM_001377265.1(MAPT):c.220+2535A>G

Gene: MAPT (microtubule associated protein tau). Cytogenetic location: 17q21.31.
Variant type: single nucleotide variant.
Coding change: c.220+2535A>G on transcript NM_001377265.1 (MANE Select); 2535 bases into the intron after coding-DNA position 220, A replaced by G.
Molecular consequence: intron variant.
Genome position (GRCh38, 1-based): chr17:45,974,480, A>G. VCF-style: chr17-45974480-A-G. GRCh37 (hg19) VCF-style: chr17-44051846-A-G.
Other names: p.?; c.134-3895A>G (NM_001377268.1, NM_016834.5, NM_016841.5); c.307+9A>G (NM_001123066.4, NM_016835.5, NM_005910.6 and 1 more transcripts); c.220+2535A>G (NM_001377266.1, NM_001123067.4, NM_001203251.2 and 1 more transcripts).
Identifiers: ClinVar variation 257504 (VCV000257504.25), dbSNP rs1800547, ClinGen allele CA8617602.